The following is an entry in ClinVar:

ClinVar aggregate classification (germline): Uncertain significance (1 of 4 stars; one submission).

Allele frequency attached by ClinVar (database versions not stated): gnomAD 0.00001; gnomAD exomes 0.00001; TOPMed below 0.00001.
gnomAD v4.1: 15 of 1,613,934 alleles (0.00093%); highest among the groups gnomAD compares: Non-Finnish European, 0.0013%; no homozygotes.

Submission:

GeneDx
Classification: Uncertain significance. Last evaluated: 2017-09-22. Review status: criteria provided, single submitter. Criteria: GeneDx Variant Classification (06012015). Collection method: clinical testing. Allele origin: germline. Affected: yes.
Comment: The G323V variant in the PIGW gene has not been reported previously as a pathogenic variant, nor as a benign variant, to our knowledge. The G323V variant is not observed in large population cohorts (Lek et al., 2016; 1000 Genomes Consortium et al., 2015; Exome Variant Server). The G323V variant is a conservative amino acid substitution, which is not likely to impact secondary protein structure as these residues share similar properties. This substitution occurs at a position that is conserved across species. In silico analysis predicts this variant is probably damaging to the protein structure/function. We interpret G323V as a variant of uncertain significance.

NM_001346754.2(PIGW):c.968G>T (p.Gly323Val)

Genes: MYO19 (myosin XIX; minus strand), PIGW (phosphatidylinositol glycan anchor biosynthesis class W; plus strand). Cytogenetic location: 17q12.
Variant type: single nucleotide variant.
Coding change: c.968G>T on transcript NM_001346754.2 (MANE Select); coding-DNA position 968, G replaced by T.
Protein change: p.Gly323Val; replaces glycine 323 with valine.
Molecular consequence: missense variant.
Genome position (GRCh38, 1-based): chr17:36,538,069, G>T. VCF-style: chr17-36538069-G-T. GRCh37 (hg19) VCF-style: chr17-34893918-G-T.
Other names: c.968G>T, p.Gly323Val (NM_001346755.2, NM_178517.5); short protein forms G323V.
Identifiers: ClinVar variation 452030 (VCV000452030.2), dbSNP rs1242794610, ClinGen allele CA399163962.